The following is an entry in ClinVar:

NM_014754.3(PTDSS1):c.1348A>C (p.Asn450His)

Gene: PTDSS1 (phosphatidylserine synthase 1; plus strand). Cytogenetic location: 8q22.1.
Variant type: single nucleotide variant.
Coding change: c.1348A>C on transcript NM_014754.3 (MANE Select); coding-DNA position 1348, A replaced by C.
Protein change: p.Asn450His; replaces asparagine 450 with histidine.
Molecular consequence: missense variant.
Genome position (GRCh38, 1-based): chr8:96,333,492, A>C. VCF-style: chr8-96333492-A-C. GRCh37 (hg19) VCF-style: chr8-97345720-A-C.
Other names: c.1348A>C (NM_014754.1, NM_014754.2); c.910A>C, p.Asn304His (NM_001290225.2); short protein forms N450H, N304H.
Identifiers: ClinVar variation 2903506 (VCV002903506.7), dbSNP rs554561031, ClinGen allele CA4816839.
Genomic context (GRCh38, chr8:96,333,492, plus strand): 5'-GGTGTGCTCTGATTCCTTTGGCCAGGTTCTGAAGACAGCCCACCCAAGCATGCAGGCAAC[A>C]ACGAAAGCCATTCTTCCAGGAGAAGGAATCGGCATTCCAAGTCAAAAGTCACCAATGGCG-3'
Protein context (NP_055569.1, residues 440-460): EDSPPKHAGN[Asn450His]ESHSSRRRNR

ClinVar aggregate classification (germline): Likely benign. Review status: criteria provided, multiple submitters, no conflicts (2 of 4 stars). 4 submissions from 4 submitters: Likely benign (3). 1 of the submissions does not count toward it. Last evaluated 2025-08-14.

Conditions:
Inborn genetic diseases. Identifiers: MedGen C0950123, MeSH D030342.
PTDSS1-related disorder. Also called: PTDSS1-related condition.

Allele frequency attached by ClinVar (database versions not stated): TOPMed below 0.00001; gnomAD 0.00004; 1000 Genomes Project 0.00020; ExAC 0.00023; 1000 Genomes Project 30x 0.00031.
gnomAD v4.1: 132 of 1,614,102 alleles (0.0082%); highest among the groups gnomAD compares: South Asian, 0.14%; no homozygotes.

Submissions (4):

Ambry Genetics
Classification: Likely benign for Inborn genetic diseases. Last evaluated: 2025-08-14. Review status: criteria provided, single submitter. Criteria: Ambry Variant Classification Scheme 2023. Collection method: clinical testing. Allele origin: germline.

Blueprint Genetics
Classification: Likely benign. Last evaluated: 2024-01-09. Review status: criteria provided, single submitter. Criteria: ACMG Guidelines, 2015. Collection method: clinical testing. Allele origin: germline.

Labcorp Genetics (formerly Invitae), Labcorp
Classification: Likely benign. Last evaluated: 2022-11-24. Review status: criteria provided, single submitter. Criteria: Invitae Variant Classification Sherloc (09022015). Collection method: clinical testing. Allele origin: germline.

PreventionGenetics, part of Exact Sciences
Classification: Likely benign for PTDSS1-related condition. Last evaluated: 2023-02-20. Review status: no assertion criteria provided. Collection method: clinical testing. Allele origin: germline. Not counted in ClinVar's aggregate classification.
Comment: This variant is classified as likely benign based on ACMG/AMP sequence variant interpretation guidelines (Richards et al. 2015 PMID: 25741868, with internal and published modifications).